The following is an entry in ClinVar:

NM_001378615.1(CC2D2A):c.617C>G (p.Ser206Ter)

Genes: CC2D2A (coiled-coil and C2 domain containing 2A; plus strand), FBXL5 (F-box and leucine rich repeat protein 5; minus strand). Cytogenetic location: 4p15.32.
Variant type: single nucleotide variant.
Coding change: c.617C>G on transcript NM_001378615.1 (MANE Select); coding-DNA position 617, C replaced by G.
Protein change: p.Ser206Ter; replaces serine 206 with a stop codon.
Molecular consequence: nonsense.
Genome position (GRCh38, 1-based): chr4:15,511,323, C>G. VCF-style: chr4-15511323-C-G. GRCh37 (hg19) VCF-style: chr4-15512946-C-G.
Other names: c.617C>G, p.Ser206Ter (NM_001080522.2); c.470C>G, p.Ser157Ter (NM_001378617.1); short protein forms S157*, S206*.
Identifiers: ClinVar variation 5014025 (VCV005014025.1).

ClinVar aggregate classification (germline): Pathogenic (1 of 4 stars; one submission).

Conditions:
Joubert syndrome and related disorders. Identifiers: Orphanet 140874, MedGen C5679612, MONDO:0015369.

Submission:

Myriad Genetics, Inc.
Classification: Pathogenic for Joubert syndrome and related disorders. Last evaluated: 2025-01-27. Review status: criteria provided, single submitter. Criteria: Myriad Autosomal Dominant, Autosomal Recessive and X-Linked Classification Criteria (2023). Collection method: clinical testing. Allele origin: unknown.
Comment: NM_001080522.2(CC2D2A):c.617C>G(S206*) is expected to be pathogenic in the context of CC2D2A-related disorders. This variant is predicted to lead to an abnormal or absent protein product due to the creation of a premature termination codon in CC2D2A, a gene where loss-of-function variants are known to be pathogenic. Please note: this variant was assessed in the context of healthy population screening.